The following is an entry in ClinVar:

ClinVar aggregate classification (germline): Uncertain significance (1 of 4 stars; one submission).

Conditions:
Autosomal recessive spastic paraplegia type 78. Identifiers: Orphanet 513436, MedGen C5567893, MONDO:0014975, OMIM 617225.
Kufor-Rakeb syndrome (KRS). Also called: PARKINSON DISEASE 9, AUTOSOMAL RECESSIVE, JUVENILE-ONSET. Identifiers: Orphanet 306674, Orphanet 314632, MedGen C1847640, MONDO:0011706, OMIM 606693.

Allele frequency attached by ClinVar (database versions not stated): gnomAD exomes below 0.00001; ExAC 0.00002; gnomAD 0.00002; 1000 Genomes Project 0.00040; 1000 Genomes Project 30x 0.00047.
gnomAD v4.1: 4 of 1,614,092 alleles (0.00025%); highest among the groups gnomAD compares: African/African-American, 0.0053%; no homozygotes.

Submission:

Labcorp Genetics (formerly Invitae), Labcorp
Classification: Uncertain significance for Kufor-Rakeb syndrome; Autosomal recessive spastic paraplegia type 78. Last evaluated: 2022-06-14. Review status: criteria provided, single submitter. Criteria: Invitae Variant Classification Sherloc (09022015). Collection method: clinical testing. Allele origin: germline.
Comment: In summary, the available evidence is currently insufficient to determine the role of this variant in disease. Therefore, it has been classified as a Variant of Uncertain Significance. Algorithms developed to predict the effect of missense changes on protein structure and function are either unavailable or do not agree on the potential impact of this missense change (SIFT: "Deleterious"; PolyPhen-2: "Probably Damaging"; Align-GVGD: "Class C0"). This variant has not been reported in the literature in individuals affected with ATP13A2-related conditions. This variant is present in population databases (rs564148694, gnomAD 0.01%). This sequence change replaces valine, which is neutral and non-polar, with glutamic acid, which is acidic and polar, at codon 467 of the ATP13A2 protein (p.Val467Glu).

NM_022089.4(ATP13A2):c.1400T>A (p.Val467Glu)

Gene: ATP13A2 (ATPase cation transporting 13A2; minus strand). Cytogenetic location: 1p36.13.
Variant type: single nucleotide variant.
Coding change: c.1400T>A on transcript NM_022089.4 (MANE Select); coding-DNA position 1400, T replaced by A.
Protein change: p.Val467Glu; replaces valine 467 with glutamic acid.
Molecular consequence: missense variant.
Genome position (GRCh38, 1-based): chr1:16,996,118, A>T on the plus strand (T>A on the coding strand, the complement: ATP13A2 is on the minus strand). VCF-style: chr1-16996118-A-T. GRCh37 (hg19) VCF-style: chr1-17322613-A-T.
Other names: c.1385T>A, p.Val462Glu (NM_001141973.3, NM_001141974.3); short protein forms V467E, V462E.
Identifiers: ClinVar variation 1900813 (VCV001900813.5), dbSNP rs564148694, ClinGen allele CA637214.